The following is an entry in ClinVar:

NM_004551.3(NDUFS3):c.434C>T (p.Thr145Ile)

Gene: NDUFS3 (NADH:ubiquinone oxidoreductase core subunit S3; plus strand). Cytogenetic location: 11p11.2.
Variant type: single nucleotide variant.
Coding change: c.434C>T on transcript NM_004551.3 (MANE Select); coding-DNA position 434, C replaced by T.
Protein change: p.Thr145Ile; replaces threonine 145 with isoleucine.
Molecular consequence: missense variant.
Genome position (GRCh38, 1-based): chr11:47,582,140, C>T. VCF-style: chr11-47582140-C-T. GRCh37 (hg19) VCF-style: chr11-47603692-C-T.
Other names: short protein forms T145I.
Identifiers: ClinVar variation 6019 (VCV000006019.3), dbSNP rs28939714, ClinGen allele CA117915.

ClinVar aggregate classification (germline): Pathogenic/Likely pathogenic. Review status: criteria provided, multiple submitters, no conflicts (2 of 4 stars). 3 submissions from 3 submitters: Pathogenic (1); Likely pathogenic (1). 1 of the submissions does not count toward it. Last evaluated 2019-01-23.

Conditions:
Mitochondrial complex I deficiency, nuclear type 8. Also called: Mitochondrial complex 1 deficiency, nuclear type 8. Identifiers: MedGen C4748766, MONDO:0032613, OMIM 618230.
Neurodevelopmental delay. Identifiers: MedGen C4022738, HP:0012758.

Submissions (3):

SIB Swiss Institute of Bioinformatics
Classification: Likely pathogenic for Mitochondrial complex I deficiency, nuclear type 8. Last evaluated: 2019-01-23. Review status: criteria provided, single submitter. Criteria: ACMG Guidelines, 2015. Collection method: curation. Allele origin: unknown.
Comment: This variant is interpreted as a Likely pathogenic for Mitochondrial complex I deficiency, nuclear type 8, autosomal recessive. The following ACMG Tag(s) were applied: PM2 : Absent from controls (or at extremely low frequency if recessive) in Exome Sequencing Project, 1000 Genomes Project, or Exome Aggregation Consortium. PP3 : Multiple lines of computational evidence support a deleterious effect on the gene or gene product. PP1 : Cosegregation with disease in multiple affected family members in a gene definitively known to cause the disease (PMID:14729820). PM3 : For recessive disorders, detected in trans with a pathogenic variant (PMID:14729820).

Centre de Biologie Pathologie Génétique, Centre Hospitalier Universitaire de Lille
Classification: Pathogenic for Neurodevelopmental delay. Review status: criteria provided, single submitter. Criteria: ACMG Guidelines, 2015. Collection method: clinical testing. Allele origin: unknown. Affected: yes.

OMIM
Classification: Pathogenic for MITOCHONDRIAL COMPLEX I DEFICIENCY, NUCLEAR TYPE 8. Last evaluated: 2004-01-01. Review status: no assertion criteria provided. Collection method: literature only. Allele origin: germline. Not counted in ClinVar's aggregate classification.

Literature cited by the submitters: PubMed 14729820 (cited by SIB Swiss Institute of Bioinformatics and OMIM).